The following is an entry in ClinVar:

NC_000019.9:g.(?_1206913)_(1650247_?)del

Genes: TCF3 (transcription factor 3; minus strand), PWWP3A (PWWP domain containing 3A, DNA repair factor; plus strand), MEX3D (mex-3 RNA binding family member D; minus strand), STK11 (serine/threonine kinase 11; plus strand), CBARP (CACN subunit beta associated regulatory protein; minus strand) and 17 more. Cytogenetic location: 19p13.3.
Variant type: Deletion.
Identifiers: ClinVar variation 2422486 (VCV002422486.4).

ClinVar aggregate classification (germline): Pathogenic (1 of 4 stars; one submission).

Conditions:
Cerebral creatine deficiency syndrome. Also called: Creatine deficiency syndromes. Identifiers: Orphanet 79172, MedGen C5244016, MONDO:0000456.

Submission:

Labcorp Genetics (formerly Invitae), Labcorp
Classification: Pathogenic for Cerebral creatine deficiency syndrome. Last evaluated: 2022-09-26. Review status: criteria provided, single submitter. Criteria: Invitae Variant Classification Sherloc (09022015). Collection method: clinical testing. Allele origin: germline.
Comment: A gross deletion of the genomic region encompassing the full coding sequence of the GAMT gene has been identified. Loss-of-function variants in GAMT are known to be pathogenic (PMID: 15108290). The boundaries of this event are unknown as they extend beyond the assayed region for this gene and therefore may encompass additional genes. This variant has not been reported in the literature in individuals affected with GAMT-related conditions. For these reasons, this variant has been classified as Pathogenic.

Literature cited by the submitters: PubMed 15108290.